The following is an entry in ClinVar:

ClinVar aggregate classification (germline): Uncertain significance. Review status: criteria provided, multiple submitters, no conflicts (2 of 4 stars). 3 submissions from 3 submitters: Uncertain significance (3). Last evaluated 2024-02-25.

Conditions:
Hereditary cancer-predisposing syndrome. Also called: Neoplastic Syndromes, Hereditary; Hereditary Cancer Syndrome; Tumor predisposition; Hereditary neoplastic syndrome. Identifiers: Orphanet 140162, MedGen C0027672, MeSH D009386, MONDO:0015356.
Familial cancer of breast. Also called: hereditary breast carcinoma; BREAST CANCER, FAMILIAL; Hereditary breast cancer. Identifiers: Orphanet 227535, MedGen C0346153, MONDO:0016419, OMIM 114480. Disease mechanism: loss of function.
Breast-ovarian cancer, familial, susceptibility to, 5 (BROVCA5). Identifiers: MedGen C5830615, MONDO:0957530, OMIM 620442.

Submissions (3):

Ambry Genetics
Classification: Uncertain significance for Hereditary cancer-predisposing syndrome. Last evaluated: 2024-02-25. Review status: criteria provided, single submitter. Criteria: Ambry Variant Classification Scheme 2023. Collection method: clinical testing. Allele origin: germline.
Comment: The p.P1097T variant (also known as c.3289C>A), located in coding exon 12 of the PALB2 gene, results from a C to A substitution at nucleotide position 3289. The proline at codon 1097 is replaced by threonine, an amino acid with highly similar properties. This amino acid position is conserved. In addition, the in silico prediction for this alteration is inconclusive. Based on the available evidence, the clinical significance of this alteration remains unclear.

Department of Pathology and Laboratory Medicine, Sinai Health System
Classification: Uncertain significance for Breast-ovarian cancer, familial, susceptibility to, 5. Last evaluated: 2023-06-20. Review status: criteria provided, single submitter. Criteria: ACMG Guidelines, 2015. Collection method: clinical testing. Allele origin: germline. Affected: yes.

Labcorp Genetics (formerly Invitae), Labcorp
Classification: Uncertain significance for Familial cancer of breast. Last evaluated: 2022-02-18. Review status: criteria provided, single submitter. Criteria: Invitae Variant Classification Sherloc (09022015). Collection method: clinical testing. Allele origin: germline.
Comment: This sequence change replaces proline, which is neutral and non-polar, with threonine, which is neutral and polar, at codon 1097 of the PALB2 protein (p.Pro1097Thr). This variant is not present in population databases (gnomAD no frequency). This variant has not been reported in the literature in individuals affected with PALB2-related conditions. Algorithms developed to predict the effect of missense changes on protein structure and function are either unavailable or do not agree on the potential impact of this missense change (SIFT: "Deleterious"; PolyPhen-2: "Probably Damaging"; Align-GVGD: "Class C0"). In summary, the available evidence is currently insufficient to determine the role of this variant in disease. Therefore, it has been classified as a Variant of Uncertain Significance.

NM_024675.4(PALB2):c.3289C>A (p.Pro1097Thr)

Gene: PALB2 (partner and localizer of BRCA2; minus strand). Cytogenetic location: 16p12.2.
Variant type: single nucleotide variant.
Coding change: c.3289C>A on transcript NM_024675.4 (MANE Select); coding-DNA position 3289, C replaced by A.
Protein change: p.Pro1097Thr; replaces proline 1097 with threonine.
Molecular consequence: missense variant.
Genome position (GRCh38, 1-based): chr16:23,607,925, G>T on the plus strand (C>A on the coding strand, the complement: PALB2 is on the minus strand). VCF-style: chr16-23607925-G-T. GRCh37 (hg19) VCF-style: chr16-23619246-G-T.
Other names: c.3229C>A, p.Pro1077Thr (NM_001407296.1); c.3217C>A, p.Pro1073Thr (NM_001407297.1); c.3127C>A, p.Pro1043Thr (NM_001407298.1); c.3010C>A, p.Pro1004Thr (NM_001407300.1); c.2404C>A, p.Pro802Thr (NM_001407304.1, NM_001407305.1, NM_001407306.1); c.2242C>A, p.Pro748Thr (NM_001407307.1); c.1501C>A, p.Pro501Thr (NM_001407312.1); c.823C>A, p.Pro275Thr (NM_001407314.1); short protein forms P1004T, P1077T, P748T, P1043T, P501T, P275T, P1073T, P1097T.
Identifiers: ClinVar variation 2151559 (VCV002151559.3), dbSNP rs1966508272, ClinGen allele CA395139563.